The following is an entry in ClinVar:

NM_178172.6(GPIHBP1):c.52+4C>T

Gene: GPIHBP1 (glycosylphosphatidylinositol anchored high density lipoprotein binding protein 1; plus strand). Cytogenetic location: 8q24.3.
Variant type: single nucleotide variant.
Coding change: c.52+4C>T on transcript NM_178172.6 (MANE Select); 4 bases into the intron after coding-DNA position 52, C replaced by T.
Molecular consequence: intron variant.
Genome position (GRCh38, 1-based): chr8:143,213,323, C>T. VCF-style: chr8-143213323-C-T. GRCh37 (hg19) VCF-style: chr8-144295198-C-T.
Other names: c.52+4C>T (NM_001301772.2).
Identifiers: ClinVar variation 3854991 (VCV003854991.1).

ClinVar aggregate classification (germline): Uncertain significance (1 of 4 stars; one submission).

Conditions:
Cardiovascular phenotype. Identifiers: MedGen CN230736.

gnomAD v4.1: 202 of 1,592,798 alleles (0.013%); highest among the groups gnomAD compares: Middle Eastern, 0.05%; no homozygotes.

Submission:

Ambry Genetics
Classification: Uncertain significance for Cardiovascular phenotype. Last evaluated: 2025-01-17. Review status: criteria provided, single submitter. Criteria: Ambry Variant Classification Scheme 2023. Collection method: clinical testing. Allele origin: germline.
Comment: The c.52+4C>T intronic variant results from a C to T substitution 4 nucleotides after coding exon 1 in the GPIHBP1 gene. This variant was reported in an individual in a chylomicronemia cohort, but clinical details were limited (Hegele RA et al. J Clin Lipidol, 2018 Apr;12:920-927.e4). This nucleotide position is well conserved in available vertebrate species. In silico splice site analysis for this alteration is inconclusive. Based on the available evidence, the clinical significance of this variant remains unclear.

Literature cited by the submitters: PubMed 29748148.